The following is an entry in ClinVar:

NM_001105206.3(LAMA4):c.1077+8dup

Gene: LAMA4 (laminin subunit alpha 4; minus strand). Cytogenetic location: 6q21.
Variant type: Duplication.
Coding change: c.1077+8dup on transcript NM_001105206.3 (MANE Select); 8 bases into the intron after coding-DNA position 1077, one base duplicated (T; older notation c.1077+8dupT).
Molecular consequence: intron variant.
Genome position (GRCh38, 1-based): chr6:112,185,229, A duplicated on the plus strand (T on the coding strand, the reverse complement: LAMA4 is on the minus strand). VCF-style (leftmost placement, unchanged base first): chr6-112185228-C-CA. GRCh37 (hg19) VCF-style: chr6-112506430-C-CA.
Other names: c.1056+8dup (LRG_433t2, NM_002290.5, NM_001105207.3).
Identifiers: ClinVar variation 517149 (VCV000517149.12), dbSNP rs397516713, ClinGen allele CA210584.

ClinVar aggregate classification (germline): Likely benign. Review status: criteria provided, multiple submitters, no conflicts (2 of 4 stars). 2 submissions from 2 submitters: Likely benign (2). Last evaluated 2025-12-03.

Conditions:
Dilated cardiomyopathy 1JJ (CMD1JJ). Identifiers: Orphanet 154, MedGen C3808935, MONDO:0014095, OMIM 615235.

Allele frequency attached by ClinVar (database versions not stated): ExAC 0.00001; gnomAD exomes 0.00001; gnomAD 0.00007; TOPMed 0.00007; ESP Exome Variant Server 0.00008.

Submissions (2):

Labcorp Genetics (formerly Invitae), Labcorp
Classification: Likely benign for Dilated cardiomyopathy 1JJ. Last evaluated: 2025-12-03. Review status: criteria provided, single submitter. Criteria: Invitae Variant Classification Sherloc (09022015). Collection method: clinical testing. Allele origin: germline.

Laboratory for Molecular Medicine, Mass General Brigham Personalized Medicine
Classification: Likely benign. Last evaluated: 2016-05-18. Review status: criteria provided, single submitter. Criteria: LMM Criteria. Collection method: clinical testing. Allele origin: germline. Observed: 1 variant allele.
Comment: c.1056+8_1056+9insT in intron 9 of LAMA4: This variant is not expected to have c linical significance because it is not located within the splice consensus seque nce.